The following is an entry in ClinVar:

ClinVar aggregate classification (germline): Uncertain significance (1 of 4 stars; one submission).

Conditions:
Hereditary cancer-predisposing syndrome. Also called: Neoplastic Syndromes, Hereditary; Tumor predisposition; Hereditary neoplastic syndrome; Hereditary Cancer Syndrome. Identifiers: Orphanet 140162, MedGen C0027672, MeSH D009386, MONDO:0015356.

Submission:

Ambry Genetics
Classification: Uncertain significance for Hereditary cancer-predisposing syndrome. Last evaluated: 2026-07-06. Review status: criteria provided, single submitter. Criteria: Ambry Variant Classification Scheme 2023. Collection method: clinical testing. Allele origin: germline.
Comment: The p.L270V variant (also known as c.808C>G), located in coding exon 4 of the MEN1 gene, results from a C to G substitution at nucleotide position 808. The leucine at codon 270 is replaced by valine, an amino acid with highly similar properties. This amino acid position is conserved. In addition, the in silico prediction for this alteration is inconclusive. Based on the available evidence, the clinical significance of this variant remains unclear.

NM_001370259.2(MEN1):c.808C>G (p.Leu270Val)

Gene: MEN1 (menin 1; minus strand). Cytogenetic location: 11q13.1.
Variant type: single nucleotide variant.
Coding change: c.808C>G on transcript NM_001370259.2 (MANE Select); coding-DNA position 808, C replaced by G.
Protein change: p.Leu270Val; replaces leucine 270 with valine.
Molecular consequence: missense variant. On other transcripts: non-coding transcript variant (4).
Genome position (GRCh38, 1-based): chr11:64,807,195, G>C on the plus strand (C>G on the coding strand, the complement: MEN1 is on the minus strand). VCF-style: chr11-64807195-G-C. GRCh37 (hg19) VCF-style: chr11-64574667-G-C.
Other names: c.808C>G, p.Leu270Val (NM_001407143.1, NM_001407144.1, NM_001407146.1 and 7 more transcripts); c.823C>G, p.Leu275Val (NM_001407145.1, NM_001407150.1, NM_130800.3 and 5 more transcripts); c.703C>G, p.Leu235Val (NM_001407148.1, NM_001407149.1, NM_001407151.1 and 2 more transcripts); short protein forms L235V, L275V, L270V.
Identifiers: ClinVar variation 5024282 (VCV005024282.1).